The following is an entry in ClinVar:

ClinVar aggregate classification (germline): Uncertain significance. Review status: criteria provided, single submitter (1 of 4 stars). 2 submissions from 2 submitters: Uncertain significance (1). 1 of the submissions does not count toward it. Last evaluated 2021-09-01.

Conditions:
Familial dysautonomia. Also called: HSAN III; FD. Identifiers: Orphanet 1764, MedGen C0013364, MONDO:0009131, OMIM 223900. Disease mechanism: loss of function.

Submissions (2):

Labcorp Genetics (formerly Invitae), Labcorp
Classification: Uncertain significance. Last evaluated: 2021-09-01. Review status: criteria provided, single submitter. Criteria: Invitae Variant Classification Sherloc (09022015). Collection method: clinical testing. Allele origin: germline.
Comment: This sequence change replaces serine with leucine at codon 979 of the ELP1 protein (p.Ser979Leu). The serine residue is weakly conserved and there is a large physicochemical difference between serine and leucine. This variant is not present in population databases (ExAC no frequency). This variant has not been reported in the literature in individuals affected with ELP1-related conditions. Algorithms developed to predict the effect of missense changes on protein structure and function output the following: SIFT: "Tolerated"; PolyPhen-2: "Benign"; Align-GVGD: "Class C0". The leucine amino acid residue is found in multiple mammalian species, which suggests that this missense change does not adversely affect protein function. In summary, the available evidence is currently insufficient to determine the role of this variant in disease. Therefore, it has been classified as a Variant of Uncertain Significance.

Natera, Inc.
Classification: Uncertain significance for Familial dysautonomia. Last evaluated: 2021-04-01. Review status: no assertion criteria provided. Collection method: clinical testing. Allele origin: germline. Not counted in ClinVar's aggregate classification.

NM_003640.5(ELP1):c.2936C>T (p.Ser979Leu)

Gene: ELP1 (elongator acetyltransferase complex subunit 1; minus strand). Cytogenetic location: 9q31.3.
Variant type: single nucleotide variant.
Coding change: c.2936C>T on transcript NM_003640.5 (MANE Select); coding-DNA position 2936, C replaced by T.
Protein change: p.Ser979Leu; replaces serine 979 with leucine.
Molecular consequence: missense variant.
Genome position (GRCh38, 1-based): chr9:108,893,008, G>A on the plus strand (C>T on the coding strand, the complement: ELP1 is on the minus strand). VCF-style: chr9-108893008-G-A. GRCh37 (hg19) VCF-style: chr9-111655288-G-A.
Other names: c.2594C>T, p.Ser865Leu (NM_001318360.2); c.1889C>T, p.Ser630Leu (NM_001330749.2); short protein forms S630L, S865L, S979L.
Identifiers: ClinVar variation 1051930 (VCV001051930.7), dbSNP rs2131973288, ClinGen allele CA374418260.